The following is an entry in ClinVar:

NM_001267550.2(TTN):c.26665A>G (p.Ile8889Val)

Gene: TTN (titin; minus strand). Cytogenetic location: 2q31.2.
Variant type: single nucleotide variant.
Coding change: c.26665A>G on transcript NM_001267550.2 (MANE Select); coding-DNA position 26665, A replaced by G.
Protein change: p.Ile8889Val; replaces isoleucine 8889 with valine.
Molecular consequence: missense variant. On other transcripts: intron variant (3).
Genome position (GRCh38, 1-based): chr2:178,713,993, T>C on the plus strand (A>G on the coding strand, the complement: TTN is on the minus strand). VCF-style: chr2-178713993-T-C. GRCh37 (hg19) VCF-style: chr2-179578720-T-C.
Other names: c.25714A>G, p.Ile8572Val (NM_001256850.1); c.22933A>G, p.Ile7645Val (NM_133378.4); c.13282+24089A>G (NM_003319.4); c.13858+24089A>G (NM_133437.4); c.13657+24089A>G (NM_133432.3); short protein forms I7645V, I8572V, I8889V.
Identifiers: ClinVar variation 4076624 (VCV004076624.1).

ClinVar aggregate classification (germline): Uncertain significance (1 of 4 stars; one submission).

gnomAD v4.1: 3 of 1,613,662 alleles (0.00019%); highest among the groups gnomAD compares: Non-Finnish European, 0.00025%; no homozygotes.

Submission:

GeneDx
Classification: Uncertain significance. Last evaluated: 2025-02-18. Review status: criteria provided, single submitter. Criteria: GeneDx Variant Classification Process June 2021. Collection method: clinical testing. Allele origin: germline. Affected: yes.
Comment: Not observed at significant frequency in large population cohorts (gnomAD); Missense variant in a gene in which most reported pathogenic variants are truncating/loss of function; Has not been previously published as pathogenic or benign to our knowledge